The following is an entry in ClinVar:

NM_138413.4(HOGA1):c.655G>A (p.Val219Met)

Gene: HOGA1 (4-hydroxy-2-oxoglutarate aldolase 1; plus strand). Cytogenetic location: 10q24.2.
Variant type: single nucleotide variant.
Coding change: c.655G>A on transcript NM_138413.4 (MANE Select); coding-DNA position 655, G replaced by A.
Protein change: p.Val219Met; replaces valine 219 with methionine.
Molecular consequence: missense variant. On other transcripts: intron variant (1).
Genome position (GRCh38, 1-based): chr10:97,600,118, G>A. VCF-style: chr10-97600118-G-A. GRCh37 (hg19) VCF-style: chr10-99359875-G-A.
Other names: c.212-1739G>A (NM_001134670.2); short protein forms V219M.
Identifiers: ClinVar variation 3623933 (VCV003623933.2).

ClinVar aggregate classification (germline): Uncertain significance (1 of 4 stars; one submission).

gnomAD v4.1: 5 of 1,614,166 alleles (0.00031%); highest among the groups gnomAD compares: East Asian, 0.0067%; no homozygotes.

Submission:

Labcorp Genetics (formerly Invitae), Labcorp
Classification: Uncertain significance. Last evaluated: 2025-01-16. Review status: criteria provided, single submitter. Criteria: Invitae Variant Classification Sherloc (09022015). Collection method: clinical testing. Allele origin: germline.
Comment: This sequence change replaces valine, which is neutral and non-polar, with methionine, which is neutral and non-polar, at codon 219 of the HOGA1 protein (p.Val219Met). This variant is present in population databases (no rsID available, gnomAD 0.01%). This variant has not been reported in the literature in individuals affected with HOGA1-related conditions. Invitae Evidence Modeling of protein sequence and biophysical properties (such as structural, functional, and spatial information, amino acid conservation, physicochemical variation, residue mobility, and thermodynamic stability) has been performed for this missense variant. However, the output from this modeling did not meet the statistical confidence thresholds required to predict the impact of this variant on HOGA1 protein function. In summary, the available evidence is currently insufficient to determine the role of this variant in disease. Therefore, it has been classified as a Variant of Uncertain Significance.